The following is an entry in ClinVar:

NM_001851.6(COL9A1):c.2504-11A>G

Gene: COL9A1 (collagen type IX alpha 1 chain; minus strand). Cytogenetic location: 6q13.
Variant type: single nucleotide variant.
Coding change: c.2504-11A>G on transcript NM_001851.6 (MANE Select); 11 bases into the intron before coding-DNA position 2504, A replaced by G.
Molecular consequence: intron variant.
Genome position (GRCh38, 1-based): chr6:70,226,020, T>C on the plus strand (A>G on the coding strand, the complement: COL9A1 is on the minus strand). VCF-style: chr6-70226020-T-C. GRCh37 (hg19) VCF-style: chr6-70935723-T-C.
Other names: c.1628-11A>G (NM_001377290.1); c.1775-11A>G (NM_078485.4); c.1805-11A>G (NM_001377289.1).
Identifiers: ClinVar variation 2637621 (VCV002637621.1), dbSNP rs1385979333, ClinGen allele CA567641885.

ClinVar aggregate classification (germline): Uncertain significance (1 of 4 stars; one submission).

Allele frequency attached by ClinVar (database versions not stated): gnomAD exomes below 0.00001.
gnomAD v4.1: 2 of 1,605,396 alleles (0.00012%); highest among the groups gnomAD compares: Non-Finnish European, 0.00017%; no homozygotes.

Submission:

Women's Health and Genetics/Laboratory Corporation of America, LabCorp
Classification: Uncertain significance. Last evaluated: 2023-10-06. Review status: criteria provided, single submitter. Criteria: LabCorp Variant Classification Summary - May 2015. Collection method: clinical testing. Allele origin: germline.
Comment: Variant summary: COL9A1 c.2504-11A>G alters a non-conserved nucleotide located at a position not widely known to affect splicing. Several computational tools predict a significant impact on normal splicing: Two predict the variant weakens the 3' canonical acceptor site. One predict the variant abolishes the 3' canonical acceptor site. Two predict the variant creates a 3' cryptic acceptor site. However, these predictions have yet to be confirmed by functional studies. The variant allele was found at a frequency of 4e-06 in 250296 control chromosomes. The available data on variant occurrences in the general population are insufficient to allow any conclusion about variant significance. To our knowledge, no occurrence of c.2504-11A>G in individuals affected with COL9A1-Related Disorders and no experimental evidence demonstrating its impact on protein function have been reported. No submitters have cited clinical-significance assessments for this variant to ClinVar after 2014. Based on the evidence outlined above, the variant was classified as uncertain significance.